The following is an entry in ClinVar:

NM_005518.4(HMGCS2):c.850+309T>C

Gene: HMGCS2 (3-hydroxy-3-methylglutaryl-CoA synthase 2; minus strand). Cytogenetic location: 1p12.
Variant type: single nucleotide variant.
Coding change: c.850+309T>C on transcript NM_005518.4 (MANE Select); 309 bases into the intron after coding-DNA position 850, T replaced by C.
Molecular consequence: intron variant.
Genome position (GRCh38, 1-based): chr1:119,758,809, A>G on the plus strand (T>C on the coding strand, the complement: HMGCS2 is on the minus strand). VCF-style: chr1-119758809-A-G. GRCh37 (hg19) VCF-style: chr1-120301432-A-G.
Other names: c.724+309T>C (NM_001166107.1).
Identifiers: ClinVar variation 671989 (VCV000671989.1), dbSNP rs1441010, ClinGen allele CA10955316.

ClinVar aggregate classification (germline): Benign (1 of 4 stars; one submission).

Allele frequency attached by ClinVar (database versions not stated): gnomAD 0.52025 and 0.52734; TOPMed 0.53343; 1000 Genomes Project 30x 0.54591; 1000 Genomes Project 0.55272.
gnomAD v4.1: 80,271 of 152,138 alleles (53%); highest among the groups gnomAD compares: Middle Eastern, 67%; 21,560 homozygotes.

Submission:

GeneDx
Classification: Benign. Last evaluated: 2018-06-19. Review status: criteria provided, single submitter. Criteria: GeneDx Variant Classification (06012015). Collection method: clinical testing. Allele origin: germline. Affected: yes.
Comment: This variant is considered likely benign or benign based on one or more of the following criteria: it is a conservative change, it occurs at a poorly conserved position in the protein, it is predicted to be benign by multiple in silico algorithms, and/or has population frequency not consistent with disease.